The following is an entry in ClinVar:

NM_005591.4(MRE11):c.1523G>A (p.Arg508Lys)

Gene: MRE11 (MRE11 double strand break repair nuclease; minus strand). Cytogenetic location: 11q21.
Variant type: single nucleotide variant.
Coding change: c.1523G>A on transcript NM_005591.4 (MANE Select); coding-DNA position 1523, G replaced by A.
Protein change: p.Arg508Lys; replaces arginine 508 with lysine.
Molecular consequence: missense variant.
Genome position (GRCh38, 1-based): chr11:94,456,316, C>T on the plus strand (G>A on the coding strand, the complement: MRE11 is on the minus strand). VCF-style: chr11-94456316-C-T. GRCh37 (hg19) VCF-style: chr11-94189482-C-T.
Other names: c.1523G>A, p.Arg508Lys (NM_001330347.2, NM_005590.4); short protein forms R508K.
Identifiers: ClinVar variation 1799975 (VCV001799975.2), dbSNP rs2496361198, ClinGen allele CA382370804.
Genomic context (GRCh38, chr11:94,456,316, plus strand): 5'-ATTTGCAGCAGAATAATTACCTCACGGACTTCATCATCTTCTTCATTAGTATTTTTTTGT[C>T]TGGTTTCTCTGAAACGACGTACCTAGATCATAACAGAGTAAATCACAAACATGTTGCCTA-3'
Protein context (NP_005582.1, residues 498-518): DEEVRRFRET[Arg508Lys]QKNTNEEDDE

ClinVar aggregate classification (germline): Uncertain significance (1 of 4 stars; one submission).

Conditions:
Hereditary cancer-predisposing syndrome. Also called: Neoplastic Syndromes, Hereditary; Tumor predisposition; Hereditary Cancer Syndrome; Hereditary neoplastic syndrome. Identifiers: Orphanet 140162, MedGen C0027672, MeSH D009386, MONDO:0015356.

Submission:

Ambry Genetics
Classification: Uncertain significance for Hereditary cancer-predisposing syndrome. Last evaluated: 2022-08-22. Review status: criteria provided, single submitter. Criteria: Ambry Variant Classification Scheme 2023. Collection method: clinical testing. Allele origin: germline.
Comment: The p.R508K variant (also known as c.1523G>A), located in coding exon 13 of the MRE11A gene, results from a G to A substitution at nucleotide position 1523. The arginine at codon 508 is replaced by lysine, an amino acid with highly similar properties. This amino acid position is conserved. In addition, this alteration is predicted to be tolerated by in silico analysis. Since supporting evidence is limited at this time, the clinical significance of this alteration remains unclear.